The following is an entry in ClinVar:

NM_201384.3(PLEC):c.4475C>T (p.Ala1492Val)

Gene: PLEC (plectin; minus strand). Cytogenetic location: 8q24.3.
Variant type: single nucleotide variant.
Coding change: c.4475C>T on transcript NM_201384.3 (MANE Select); coding-DNA position 4475, C replaced by T.
Protein change: p.Ala1492Val; replaces alanine 1492 with valine.
Molecular consequence: missense variant.
Genome position (GRCh38, 1-based): chr8:143,925,454, G>A on the plus strand (C>T on the coding strand, the complement: PLEC is on the minus strand). VCF-style: chr8-143925454-G-A. GRCh37 (hg19) VCF-style: chr8-144999622-G-A.
Other names: c.4556C>T, p.Ala1519Val (NM_000445.5); c.4433C>T, p.Ala1478Val (NM_201378.4); c.4409C>T, p.Ala1470Val (NM_201379.3); c.4886C>T, p.Ala1629Val (NM_201380.4); c.4379C>T, p.Ala1460Val (NM_201381.3); c.4475C>T, p.Ala1492Val (NM_201382.4); c.4487C>T, p.Ala1496Val (NM_201383.3); short protein forms A1460V, A1470V, A1478V, A1496V, A1519V, A1492V, A1629V.
Identifiers: ClinVar variation 663352 (VCV000663352.13), dbSNP rs782685705, ClinGen allele CA4926645.

ClinVar aggregate classification (germline): Uncertain significance. Review status: criteria provided, multiple submitters, no conflicts (2 of 4 stars). 4 submissions from 4 submitters: Uncertain significance (4). Last evaluated 2026-07-29.

Conditions:
PLEC-related disorder. Also called: PLEC-related condition; PLEC-related disorders.
Autosomal recessive limb-girdle muscular dystrophy type 2Q (LGMDR17). Also called: MUSCULAR DYSTROPHY, LIMB-GIRDLE, AUTOSOMAL RECESSIVE 17. Identifiers: Orphanet 254361, MedGen C3150989, MONDO:0013390, OMIM 613723.
Epidermolysis bullosa simplex 5B, with muscular dystrophy (EBS5B). Also called: EPIDERMOLYSIS BULLOSA SIMPLEX AND LIMB-GIRDLE MUSCULAR DYSTROPHY; Epidermolysis bullosa simplex with muscular dystrophy. Identifiers: Orphanet 257, MedGen C2931072, MONDO:0009181, OMIM 226670.
Epidermolysis bullosa simplex with nail dystrophy (EBS5D). Identifiers: MedGen C4225309, MONDO:0014661, OMIM 616487.
Epidermolysis bullosa simplex 5C, with pyloric atresia (EBS5C). Also called: PLEC-Related Epidermolysis Bullosa with Pyloric Atresia; Epidermolysis bullosa simplex with pyloric atresia; PLEC1-Related Epidermolysis Bullosa with Pyloric Atresia. Identifiers: Orphanet 158684, MedGen C2677349, MONDO:0012807, OMIM 612138.
Epidermolysis bullosa simplex, Ogna type (EBS5A). Also called: EPIDERMOLYSIS BULLOSA SIMPLEX 5A, OGNA TYPE; Pidermolysis bullosa simplex 5A, Ogna type. Identifiers: Orphanet 79401, MedGen C0432317, MONDO:0007555, OMIM 131950.
Inborn genetic diseases. Identifiers: MedGen C0950123, MeSH D030342.

Allele frequency attached by ClinVar (database versions not stated): ExAC 0.00003; gnomAD 0.00003 and 0.00004; gnomAD exomes 0.00005 and 0.00008; TOPMed 0.00006.
gnomAD v4.1: 76 of 1,595,544 alleles (0.0048%); highest among the groups gnomAD compares: Admixed American, 0.0067%; no homozygotes.

Submissions (4):

PreventionGenetics, part of Exact Sciences
Classification: Uncertain significance for PLEC-related condition. Last evaluated: 2026-07-29. Review status: criteria provided, single submitter. Criteria: ACMG Guidelines, 2015. Collection method: clinical testing. Allele origin: germline.
Comment: The PLEC c.4556C>T variant is predicted to result in the amino acid substitution p.Ala1519Val. To our knowledge, this variant has not been reported in the literature. This variant is reported in 0.10% of alleles in individuals of Ashkenazi Jewish descent in gnomAD. Although we suspect that this variant may be benign, at this time, the clinical significance of this variant is uncertain due to the absence of conclusive functional and genetic evidence.

Ambry Genetics
Classification: Uncertain significance for Inborn genetic diseases. Last evaluated: 2025-08-19. Review status: criteria provided, single submitter. Criteria: Ambry Variant Classification Scheme 2023. Collection method: clinical testing. Allele origin: germline.

Labcorp Genetics (formerly Invitae), Labcorp
Classification: Uncertain significance for Autosomal recessive limb-girdle muscular dystrophy type 2Q; Epidermolysis bullosa simplex, Ogna type; Epidermolysis bullosa simplex with nail dystrophy; Epidermolysis bullosa simplex 5C, with pyloric atresia; Epidermolysis bullosa simplex 5B, with muscular dystrophy. Last evaluated: 2024-10-03. Review status: criteria provided, single submitter. Criteria: Invitae Variant Classification Sherloc (09022015). Collection method: clinical testing. Allele origin: germline.
Comment: This sequence change replaces alanine, which is neutral and non-polar, with valine, which is neutral and non-polar, at codon 1519 of the PLEC protein (p.Ala1519Val). This variant is present in population databases (rs782685705, gnomAD 0.1%). This variant has not been reported in the literature in individuals affected with PLEC-related conditions. ClinVar contains an entry for this variant (Variation ID: 663352). Invitae Evidence Modeling of protein sequence and biophysical properties (such as structural, functional, and spatial information, amino acid conservation, physicochemical variation, residue mobility, and thermodynamic stability) indicates that this missense variant is not expected to disrupt PLEC protein function with a negative predictive value of 80%. In summary, the available evidence is currently insufficient to determine the role of this variant in disease. Therefore, it has been classified as a Variant of Uncertain Significance.

Athena Diagnostics
Classification: Uncertain significance. Last evaluated: 2022-12-12. Review status: criteria provided, single submitter. Criteria: Athena Diagnostics Criteria. Collection method: clinical testing. Allele origin: unknown.
Comment: Available data are insufficient to determine the clinical significance of the variant at this time. The frequency of this variant in the general population is higher than would generally be expected for pathogenic variants in this gene. Computational tools disagree on the variant's effect on normal protein function.

Literature cited by the submitters: PubMed 30161220 (cited by Athena Diagnostics).